The following is an entry in ClinVar:

NM_001040142.2(SCN2A):c.4678A>G (p.Thr1560Ala)

Gene: SCN2A (sodium voltage-gated channel alpha subunit 2; plus strand). Cytogenetic location: 2q24.3.
Variant type: single nucleotide variant.
Coding change: c.4678A>G on transcript NM_001040142.2 (MANE Select); coding-DNA position 4678, A replaced by G.
Protein change: p.Thr1560Ala; replaces threonine 1560 with alanine.
Molecular consequence: missense variant.
Genome position (GRCh38, 1-based): chr2:165,386,872, A>G. VCF-style: chr2-165386872-A-G. GRCh37 (hg19) VCF-style: chr2-166243382-A-G.
Other names: c.4678A>G, p.Thr1560Ala (NM_001040143.2, NM_001371246.1, NM_001371247.1 and 1 more transcripts); short protein forms T1560A.
Identifiers: ClinVar variation 4789353 (VCV004789353.1).

ClinVar aggregate classification (germline): Uncertain significance (1 of 4 stars; one submission).

Conditions:
Developmental and epileptic encephalopathy, 11 (DEE11). Also called: Early infantile epileptic encephalopathy 11. Identifiers: Orphanet 1934, MedGen C3150987, MONDO:0013388, OMIM 613721.
Seizures, benign familial infantile, 3 (BFIS3). Also called: CONVULSIONS, BENIGN FAMILIAL INFANTILE, 3; Familial neonatal seizures. Identifiers: Orphanet 140927, Orphanet 306, MedGen C1843140, MONDO:0011904, OMIM 607745.

Submission:

Labcorp Genetics (formerly Invitae), Labcorp
Classification: Uncertain significance for Seizures, benign familial infantile, 3; Developmental and epileptic encephalopathy, 11. Last evaluated: 2025-02-17. Review status: criteria provided, single submitter. Criteria: Invitae Variant Classification Sherloc (09022015). Collection method: clinical testing. Allele origin: germline.
Comment: This sequence change replaces threonine, which is neutral and polar, with alanine, which is neutral and non-polar, at codon 1560 of the SCN2A protein (p.Thr1560Ala). This variant is not present in population databases (gnomAD no frequency). This variant has not been reported in the literature in individuals affected with SCN2A-related conditions. Invitae Evidence Modeling of protein sequence and biophysical properties (such as structural, functional, and spatial information, amino acid conservation, physicochemical variation, residue mobility, and thermodynamic stability) has been performed for this missense variant. However, the output from this modeling did not meet the statistical confidence thresholds required to predict the impact of this variant on SCN2A protein function. In summary, the available evidence is currently insufficient to determine the role of this variant in disease. Therefore, it has been classified as a Variant of Uncertain Significance.